The following is an entry in ClinVar:

ClinVar aggregate classification (germline): Uncertain significance. Review status: criteria provided, multiple submitters, no conflicts (2 of 4 stars). 2 submissions from 2 submitters: Uncertain significance (2). Last evaluated 2024-08-05.

Conditions:
Succinate-semialdehyde dehydrogenase deficiency (SSADHD). Also called: SSADH DEFICIENCY; Succinic Semialdehyde Dehydrogenase Deficiency; 4-HYDROXYBUTYRIC ACIDURIA; GABA METABOLIC DEFECT. Identifiers: Orphanet 22, MedGen C0268631, MONDO:0010083, OMIM 271980.
Inborn genetic diseases. Identifiers: MedGen C0950123, MeSH D030342.

Allele frequency attached by ClinVar (database versions not stated): gnomAD exomes 0.00001.
gnomAD v4.1: 11 of 1,614,202 alleles (0.00068%); highest among the groups gnomAD compares: Non-Finnish European, 0.00093%; no homozygotes.

Submissions (2):

Ambry Genetics
Classification: Uncertain significance for Inborn genetic diseases. Last evaluated: 2024-08-05. Review status: criteria provided, single submitter. Criteria: Ambry Variant Classification Scheme 2023. Collection method: clinical testing. Allele origin: germline.

Labcorp Genetics (formerly Invitae), Labcorp
Classification: Uncertain significance for Succinate-semialdehyde dehydrogenase deficiency. Last evaluated: 2022-08-16. Review status: criteria provided, single submitter. Criteria: Invitae Variant Classification Sherloc (09022015). Collection method: clinical testing. Allele origin: germline.
Comment: In summary, the available evidence is currently insufficient to determine the role of this variant in disease. Therefore, it has been classified as a Variant of Uncertain Significance. Advanced modeling of protein sequence and biophysical properties (such as structural, functional, and spatial information, amino acid conservation, physicochemical variation, residue mobility, and thermodynamic stability) performed at Invitae indicates that this missense variant is not expected to disrupt ALDH5A1 protein function. This variant has not been reported in the literature in individuals affected with ALDH5A1-related conditions. This variant is not present in population databases (gnomAD no frequency). This sequence change replaces valine, which is neutral and non-polar, with isoleucine, which is neutral and non-polar, at codon 315 of the ALDH5A1 protein (p.Val315Ile).

NM_001080.3(ALDH5A1):c.943G>A (p.Val315Ile)

Gene: ALDH5A1 (aldehyde dehydrogenase 5 family member A1; plus strand). Cytogenetic location: 6p22.3.
Variant type: single nucleotide variant.
Coding change: c.943G>A on transcript NM_001080.3 (MANE Select); coding-DNA position 943, G replaced by A.
Protein change: p.Val315Ile; replaces valine 315 with isoleucine.
Molecular consequence: missense variant.
Genome position (GRCh38, 1-based): chr6:24,520,473, G>A. VCF-style: chr6-24520473-G-A. GRCh37 (hg19) VCF-style: chr6-24520701-G-A.
Other names: c.799G>A, p.Val267Ile (NM_001368954.1); c.982G>A, p.Val328Ile (NM_170740.1); short protein forms V315I, V267I, V328I.
Identifiers: ClinVar variation 2035596 (VCV002035596.5), dbSNP rs976482907, ClinGen allele CA136134641.